The following is an entry in ClinVar:

ClinVar aggregate classification (germline): Benign. Review status: reviewed by expert panel (3 of 4 stars). 9 submissions from 8 submitters: Benign (1). 8 of the submissions do not count toward it. Last evaluated 2015-01-12.

Conditions:
Breast-ovarian cancer, familial, susceptibility to, 2 (BROVCA2). Also called: BRCA2 Hereditary Breast and Ovarian Cancer. Identifiers: Orphanet 145, MedGen C2675520, MONDO:0012933, OMIM 612555. Disease mechanism: loss of function.
Familial cancer of breast. Also called: BREAST CANCER, FAMILIAL; Hereditary breast cancer; hereditary breast carcinoma. Identifiers: Orphanet 227535, MedGen C0346153, MONDO:0016419, OMIM 114480. Disease mechanism: loss of function.

Allele frequency attached by ClinVar (database versions not stated): gnomAD exomes 0.00723; gnomAD 0.04086 and 0.04317; TOPMed 0.04978; 1000 Genomes Project 0.05052; 1000 Genomes Project 30x 0.05262.
gnomAD v4.1: 16,045 of 1,473,682 alleles (1.1%); highest among the groups gnomAD compares: African/African-American, 13%; 757 homozygotes.

Submissions (9):

Evidence-based Network for the Interpretation of Germline Mutant Alleles (ENIGMA)
Classification: Benign for Breast-ovarian cancer, familial 2. Last evaluated: 2015-01-12. Review status: reviewed by expert panel. Criteria: ENIGMA BRCA1/2 Classification Criteria (2015). Collection method: curation. Allele origin: germline.
Comment: Class 1 not pathogenic based on frequency >1% in an outbred sampleset. Frequency 0.02972 (Asian), 0.1463 (African), derived from 1000 genomes (2012-04-30).

KCCC/NGS Laboratory, Kuwait Cancer Control Center
Classification: Benign for Familial cancer of breast. Last evaluated: 2025-02-01. Review status: criteria provided, single submitter. Criteria: ACMG Guidelines, 2015. Collection method: clinical testing. Allele origin: germline. Affected: no. Not counted in ClinVar's aggregate classification.

KCCC/NGS Laboratory, Kuwait Cancer Control Center
Classification: Benign for Breast-ovarian cancer, familial, susceptibility to, 2. Last evaluated: 2023-07-07. Review status: criteria provided, single submitter. Criteria: ACMG Guidelines, 2015. Collection method: clinical testing. Allele origin: germline. Affected: yes. Not counted in ClinVar's aggregate classification.

GeneKor MSA
Classification: Benign. Last evaluated: 2017-11-01. Review status: criteria provided, single submitter. Criteria: ACMG Guidelines, 2015. Collection method: clinical testing. Allele origin: germline. Affected: yes. Not counted in ClinVar's aggregate classification.

GeneDx
Classification: Benign. Last evaluated: 2015-03-03. Review status: criteria provided, single submitter. Criteria: GeneDx Variant Classification Process June 2021. Collection method: clinical testing. Allele origin: germline. Affected: yes. Not counted in ClinVar's aggregate classification.

Genome Diagnostics Laboratory, University Medical Center Utrecht
Classification: Benign for Breast-ovarian cancer, familial, susceptibility to, 2. Last evaluated: 2014-10-09. Review status: criteria provided, single submitter. Criteria: ACGS Guidelines, 2013. Collection method: clinical testing. Allele origin: germline. Affected: yes. Study: VKGL Data-share Consensus. Not counted in ClinVar's aggregate classification.

Breakthrough Genomics
Classification: Benign. Review status: criteria provided, single submitter. Criteria: ACMG Guidelines, 2015. Collection method: not provided. Allele origin: germline. Inheritance: Autosomal recessive inheritance. Affected: yes. Not counted in ClinVar's aggregate classification.

Breast Cancer Information Core (BIC) (BRCA2)
Classification: Uncertain significance for Breast-ovarian cancer, familial 2. Last evaluated: 2010-12-17. Review status: no assertion criteria provided. Collection method: clinical testing. Allele origin: germline. Affected: yes. Observed: 2 variant alleles. Not counted in ClinVar's aggregate classification.

Clinical Genetics Laboratory, Department of Pathology, Netherlands Cancer Institute
Classification: Benign. Review status: no assertion criteria provided. Collection method: clinical testing. Allele origin: germline. Affected: yes. Study: VKGL Data-share Consensus. Not counted in ClinVar's aggregate classification.

NM_000059.4(BRCA2):c.9257-83G>A

Gene: BRCA2 (BRCA2 DNA repair associated; plus strand). Cytogenetic location: 13q13.1.
Variant type: single nucleotide variant.
Coding change: c.9257-83G>A on transcript NM_000059.4 (MANE Select); 83 bases into the intron before coding-DNA position 9257, G replaced by A.
Molecular consequence: intron variant.
Genome position (GRCh38, 1-based): chr13:32,394,606, G>A. VCF-style: chr13-32394606-G-A. GRCh37 (hg19) VCF-style: chr13-32968743-G-A.
Other names: IVS24-83G>A; IVS 24-83G>A.
Identifiers: ClinVar variation 126207 (VCV000126207.7), dbSNP rs9595456, ClinGen allele CA026067.